The following is an entry in ClinVar:

ClinVar aggregate classification (germline): Uncertain significance (1 of 4 stars; one submission).

Conditions:
Hyperekplexia 3 (HKPX3). Also called: HYPEREKPLEXIA 3, AUTOSOMAL RECESSIVE; HYPEREKPLEXIA 3, AUTOSOMAL DOMINANT. Identifiers: Orphanet 3197, MedGen C3553288, MONDO:0013827, OMIM 614618.

Allele frequency attached by ClinVar (database versions not stated): gnomAD exomes 0.00001; ESP Exome Variant Server 0.00008.
gnomAD v4.1: 9 of 1,614,158 alleles (0.00056%); highest among the groups gnomAD compares: Non-Finnish European, 0.00076%; no homozygotes.

Submission:

Labcorp Genetics (formerly Invitae), Labcorp
Classification: Uncertain significance for Hyperekplexia 3. Last evaluated: 2022-10-11. Review status: criteria provided, single submitter. Criteria: Invitae Variant Classification Sherloc (09022015). Collection method: clinical testing. Allele origin: germline.
Comment: This sequence change replaces phenylalanine, which is neutral and non-polar, with leucine, which is neutral and non-polar, at codon 761 of the SLC6A5 protein (p.Phe761Leu). In summary, the available evidence is currently insufficient to determine the role of this variant in disease. Therefore, it has been classified as a Variant of Uncertain Significance. Advanced modeling of protein sequence and biophysical properties (such as structural, functional, and spatial information, amino acid conservation, physicochemical variation, residue mobility, and thermodynamic stability) performed at Invitae indicates that this missense variant is not expected to disrupt SLC6A5 protein function. ClinVar contains an entry for this variant (Variation ID: 1525363). This variant has not been reported in the literature in individuals affected with SLC6A5-related conditions. This variant is not present in population databases (gnomAD no frequency).

NM_004211.5(SLC6A5):c.2281T>C (p.Phe761Leu)

Gene: SLC6A5 (solute carrier family 6 member 5; plus strand). Cytogenetic location: 11p15.1.
Variant type: single nucleotide variant.
Coding change: c.2281T>C on transcript NM_004211.5 (MANE Select); coding-DNA position 2281, T replaced by C.
Protein change: p.Phe761Leu; replaces phenylalanine 761 with leucine.
Molecular consequence: missense variant.
Genome position (GRCh38, 1-based): chr11:20,654,755, T>C. VCF-style: chr11-20654755-T-C. GRCh37 (hg19) VCF-style: chr11-20676301-T-C.
Other names: c.1579T>C, p.Phe527Leu (NM_001318369.2); short protein forms F527L, F761L.
Identifiers: ClinVar variation 1525363 (VCV001525363.6), dbSNP rs375399805, ClinGen allele CA218725777.